The following is an entry in ClinVar:

ClinVar aggregate classification (germline): Uncertain significance. Review status: criteria provided, single submitter (1 of 4 stars). 2 submissions from 2 submitters: Uncertain significance (1). 1 of the submissions does not count toward it. Last evaluated 2021-08-31.

Conditions:
Propionic acidemia (PROP). Also called: GLYCINEMIA, KETOTIC; HYPERGLYCINEMIA WITH KETOACIDOSIS AND LEUKOPENIA; KETOTIC HYPERGLYCINEMIA. Identifiers: Orphanet 35, MedGen C0268579, MONDO:0011628, OMIM 606054, HP:0003571.

Allele frequency attached by ClinVar (database versions not stated): gnomAD exomes below 0.00001 and 0.00002; gnomAD 0.00001; ExAC 0.00002; 1000 Genomes Project 0.00020; 1000 Genomes Project 30x 0.00031.
gnomAD v4.1: 7 of 1,574,580 alleles (0.00044%); highest among the groups gnomAD compares: East Asian, 0.016%; no homozygotes.

Submissions (2):

Labcorp Genetics (formerly Invitae), Labcorp
Classification: Uncertain significance for Propionic acidemia. Last evaluated: 2021-08-31. Review status: criteria provided, single submitter. Criteria: Invitae Variant Classification Sherloc (09022015). Collection method: clinical testing. Allele origin: germline.
Comment: This sequence change replaces histidine with glutamine at codon 425 of the PCCA protein (p.His425Gln). The histidine residue is moderately conserved and there is a small physicochemical difference between histidine and glutamine. This variant is present in population databases (rs548833871, ExAC 0.02%). This variant has not been reported in the literature in individuals affected with PCCA-related conditions. Algorithms developed to predict the effect of missense changes on protein structure and function (SIFT, PolyPhen-2, Align-GVGD) all suggest that this variant is likely to be tolerated. In summary, the available evidence is currently insufficient to determine the role of this variant in disease. Therefore, it has been classified as a Variant of Uncertain Significance.

Natera, Inc.
Classification: Uncertain significance for Propionic acidemia. Last evaluated: 2020-04-17. Review status: no assertion criteria provided. Collection method: clinical testing. Allele origin: germline. Not counted in ClinVar's aggregate classification.

NM_000282.4(PCCA):c.1275T>G (p.His425Gln)

Gene: PCCA (propionyl-CoA carboxylase subunit alpha; plus strand). Cytogenetic location: 13q32.3.
Variant type: single nucleotide variant.
Coding change: c.1275T>G on transcript NM_000282.4 (MANE Select); coding-DNA position 1275, T replaced by G.
Protein change: p.His425Gln; replaces histidine 425 with glutamine.
Molecular consequence: missense variant. On other transcripts: non-coding transcript variant (5).
Genome position (GRCh38, 1-based): chr13:100,302,989, T>G. VCF-style: chr13-100302989-T-G. GRCh37 (hg19) VCF-style: chr13-100955243-T-G.
Other names: c.1197T>G, p.His399Gln (NM_001127692.3, NM_001352607.2); c.1275T>G, p.His425Gln (NM_001178004.2, NM_001352605.2, NM_001352609.2); c.1131T>G, p.His377Gln (NM_001352606.2); c.1053T>G, p.His351Gln (NM_001352608.2); c.330T>G, p.His110Gln (NM_001352610.2, NM_001352611.2); c.186T>G, p.His62Gln (NM_001352612.2); short protein forms H425Q, H110Q, H62Q, H351Q, H377Q, H399Q.
Identifiers: ClinVar variation 968119 (VCV000968119.4), dbSNP rs548833871, ClinGen allele CA7033561.